The following is an entry in ClinVar:

NM_007315.4(STAT1):c.1974T>G (p.Asn658Lys)

Gene: STAT1 (signal transducer and activator of transcription 1; minus strand). Cytogenetic location: 2q32.2.
Variant type: single nucleotide variant.
Coding change: c.1974T>G on transcript NM_007315.4 (MANE Select); coding-DNA position 1974, T replaced by G.
Protein change: p.Asn658Lys; replaces asparagine 658 with lysine.
Molecular consequence: missense variant. On other transcripts: intron variant (1).
Genome position (GRCh38, 1-based): chr2:190,976,925, A>C on the plus strand (T>G on the coding strand, the complement: STAT1 is on the minus strand). VCF-style: chr2-190976925-A-C. GRCh37 (hg19) VCF-style: chr2-191841651-A-C.
Other names: c.2010T>G, p.Asn670Lys (NM_001384891.1); c.1974T>G, p.Asn658Lys (NM_139266.3, NM_001384886.1, NM_001384889.1); c.1962+18T>G (NM_001384884.1); c.1881T>G, p.Asn627Lys (NM_001384887.1); c.1944T>G, p.Asn648Lys (NM_001384888.1); c.1884T>G, p.Asn628Lys (NM_001384890.1); c.1914T>G, p.Asn638Lys (NM_001384880.1); c.1980T>G, p.Asn660Lys (NM_001384881.1); and 3 more; short protein forms N656K, N605K, N625K, N627K, N658K, N660K, N628K, N638K.
Identifiers: ClinVar variation 2941064 (VCV002941064.3), dbSNP rs2470418258, ClinGen allele CA349912189.
Genomic context (GRCh38, chr2:190,976,925, plus strand): 5'-TCCAAAGGCATGGTCTTTGTCAATATTTGGATACAGATACTTCAGGGGATTCTCAGGAAT[A>C]TTCTCAGCAGCCATGACTTTGTAATTGCGAATGATGTCAGGGAAAGTAACAGCAGAAAGT-3'
Protein context (NP_009330.1, residues 648-668): IRNYKVMAAE[Asn658Lys]IPENPLKYLY

ClinVar aggregate classification (germline): Uncertain significance (1 of 4 stars; one submission).

Conditions:
Autoimmune enteropathy and endocrinopathy - susceptibility to chronic infections syndrome. Also called: Immunodeficiency 31C, autosomal dominant; Immunodeficiency 31C. Identifiers: Orphanet 391487, MedGen C3279990, MONDO:0013599, OMIM 614162.
Mendelian susceptibility to mycobacterial diseases due to partial STAT1 deficiency. Also called: IMMUNODEFICIENCY 31A, MYCOBACTERIOSIS, AUTOSOMAL DOMINANT; STAT1 DEFICIENCY, AUTOSOMAL DOMINANT; Immunodeficiency 31a. Identifiers: Orphanet 319595, MedGen C4013950, MONDO:0013956, OMIM 614892.
Immunodeficiency 31B. Also called: STAT1 DEFICIENCY, AUTOSOMAL RECESSIVE; IMMUNODEFICIENCY 31B, MYCOBACTERIAL AND VIRAL INFECTIONS, AUTOSOMAL RECESSIVE. Identifiers: Orphanet 391311, MedGen C3151088, MONDO:0013427, OMIM 613796.

Submission:

Labcorp Genetics (formerly Invitae), Labcorp
Classification: Uncertain significance for Mendelian susceptibility to mycobacterial diseases due to partial STAT1 deficiency; Immunodeficiency 31B; Autoimmune enteropathy and endocrinopathy - susceptibility to chronic infections syndrome. Last evaluated: 2025-05-12. Review status: criteria provided, single submitter. Criteria: Invitae Variant Classification Sherloc (09022015). Collection method: clinical testing. Allele origin: germline.
Comment: This sequence change replaces asparagine, which is neutral and polar, with lysine, which is basic and polar, at codon 658 of the STAT1 protein (p.Asn658Lys). This variant is not present in population databases (gnomAD no frequency). This variant has not been reported in the literature in individuals affected with STAT1-related conditions. ClinVar contains an entry for this variant (Variation ID: 2941064). An algorithm developed to predict the effect of missense changes on protein structure and function (PolyPhen-2) suggests that this variant is likely to be tolerated. In summary, the available evidence is currently insufficient to determine the role of this variant in disease. Therefore, it has been classified as a Variant of Uncertain Significance.